The following is an entry in ClinVar:

NM_177438.3(DICER1):c.1294A>G (p.Thr432Ala)

Gene: DICER1 (dicer 1, ribonuclease III; minus strand). Cytogenetic location: 14q32.13.
Variant type: single nucleotide variant.
Coding change: c.1294A>G on transcript NM_177438.3 (MANE Select); coding-DNA position 1294, A replaced by G.
Protein change: p.Thr432Ala; replaces threonine 432 with alanine.
Molecular consequence: missense variant.
Genome position (GRCh38, 1-based): chr14:95,124,278, T>C on the plus strand (A>G on the coding strand, the complement: DICER1 is on the minus strand). VCF-style: chr14-95124278-T-C. GRCh37 (hg19) VCF-style: chr14-95590615-T-C.
Other names: c.1294A>G (NM_177438.2); c.1294A>G, p.Thr432Ala (NM_001195573.1, NM_001271282.3, NM_001291628.2 and 1 more transcripts); short protein forms T432A.
Identifiers: ClinVar variation 1368117 (VCV001368117.13), dbSNP rs2140201750, ClinGen allele CA390886296.

ClinVar aggregate classification (germline): Conflicting classifications of pathogenicity. Review status: criteria provided, conflicting classifications (1 of 4 stars). 3 submissions from 3 submitters: Uncertain significance (2); Likely benign (1). Last evaluated 2025-08-01.

Conditions:
DICER1-related tumor predisposition. Also called: DICER1-related pleuropulmonary blastoma cancer predisposition syndrome; DICER1 syndrome. Identifiers: Orphanet 284343, MedGen C3839822, MONDO:0100216.
Hereditary cancer-predisposing syndrome. Also called: Hereditary neoplastic syndrome; Hereditary Cancer Syndrome; Neoplastic Syndromes, Hereditary; Tumor predisposition. Identifiers: Orphanet 140162, MedGen C0027672, MeSH D009386, MONDO:0015356.

Allele frequency attached by ClinVar (database versions not stated): gnomAD exomes below 0.00001.

Submissions (3):

Ambry Genetics
Classification: Likely benign for Hereditary cancer-predisposing syndrome. Last evaluated: 2025-08-01. Review status: criteria provided, single submitter. Criteria: Ambry Variant Classification Scheme 2023. Collection method: clinical testing. Allele origin: germline.

GeneDx
Classification: Uncertain significance. Last evaluated: 2025-04-25. Review status: criteria provided, single submitter. Criteria: GeneDx Variant Classification Process June 2021. Collection method: clinical testing. Allele origin: germline. Affected: yes.
Comment: Not observed at significant frequency in large population cohorts (gnomAD); In silico analysis indicates that this missense variant does not alter protein structure/function; Has not been previously published as pathogenic or benign to our knowledge

Labcorp Genetics (formerly Invitae), Labcorp
Classification: Uncertain significance for DICER1-related tumor predisposition. Last evaluated: 2021-07-17. Review status: criteria provided, single submitter. Criteria: Invitae Variant Classification Sherloc (09022015). Collection method: clinical testing. Allele origin: germline.
Comment: In summary, the available evidence is currently insufficient to determine the role of this variant in disease. Therefore, it has been classified as a Variant of Uncertain Significance. Algorithms developed to predict the effect of missense changes on protein structure and function (SIFT, PolyPhen-2, Align-GVGD) all suggest that this variant is likely to be tolerated. This variant has not been reported in the literature in individuals affected with DICER1-related conditions. This variant is not present in population databases (ExAC no frequency). This sequence change replaces threonine with alanine at codon 432 of the DICER1 protein (p.Thr432Ala). The threonine residue is moderately conserved and there is a small physicochemical difference between threonine and alanine.